The following is an entry in ClinVar:

ClinVar aggregate classification (germline): Benign. Review status: criteria provided, multiple submitters, no conflicts (2 of 4 stars). 9 submissions from 7 submitters: Benign (9). Last evaluated 2026-02-04.

Conditions:
Schwartz-Jampel syndrome. Also called: Myotonic myopathy dwarfism chondrodystrophy and ocular and facial abnormalities. Identifiers: Orphanet 800, MedGen C0036391, MONDO:0009717.
Lethal Kniest-like syndrome (DDSH). Also called: Dyssegmental Dysplasia. Identifiers: Orphanet 1865, MedGen C1857100, MONDO:0009140, OMIM 224410.

Allele frequency attached by ClinVar (database versions not stated): 1000 Genomes Project 30x 0.44394; 1000 Genomes Project 0.44449; TOPMed 0.51215; ESP Exome Variant Server 0.55036.
gnomAD v4.1: 1,015,841 of 1,613,328 alleles (63%); highest among the groups gnomAD compares: Middle Eastern, 68%; 328,387 homozygotes.

Submissions (9):

Labcorp Genetics (formerly Invitae), Labcorp
Classification: Benign. Last evaluated: 2026-02-04. Review status: criteria provided, single submitter. Criteria: Invitae Variant Classification Sherloc (09022015). Collection method: clinical testing. Allele origin: germline.

Blueprint Genetics
Classification: Benign. Last evaluated: 2024-11-26. Review status: criteria provided, single submitter. Criteria: ACMG Guidelines, 2015. Collection method: clinical testing. Allele origin: germline.

Genome-Nilou Lab
Classification: Benign for Lethal Kniest-like syndrome. Last evaluated: 2021-08-10. Review status: criteria provided, single submitter. Criteria: ACMG Guidelines, 2015. Collection method: clinical testing. Allele origin: germline. Affected: no.

Genome-Nilou Lab
Classification: Benign for Schwartz-Jampel syndrome type 1. Last evaluated: 2021-08-10. Review status: criteria provided, single submitter. Criteria: ACMG Guidelines, 2015. Collection method: clinical testing. Allele origin: germline. Affected: no.

Athena Diagnostics
Classification: Benign. Last evaluated: 2019-02-08. Review status: criteria provided, single submitter. Criteria: Athena Diagnostics Criteria. Collection method: clinical testing. Allele origin: germline.

GeneDx
Classification: Benign. Last evaluated: 2018-08-23. Review status: criteria provided, single submitter. Criteria: GeneDx Variant Classification Process June 2021. Collection method: clinical testing. Allele origin: germline. Affected: yes.

Illumina Laboratory Services, Illumina
Classification: Benign for Schwartz-Jampel syndrome type 1. Last evaluated: 2018-01-13. Review status: criteria provided, single submitter. Criteria: ICSL Variant Classification Criteria 13 December 2019. Collection method: clinical testing. Allele origin: germline.
Comment: This variant was observed in the ICSL laboratory as part of a predisposition screen in an ostensibly healthy population. It had not been previously curated by ICSL or reported in the Human Gene Mutation Database (HGMD: prior to June 1st, 2018), and was therefore a candidate for classification through an automated scoring system. Utilizing variant allele frequency, disease prevalence and penetrance estimates, and inheritance mode, an automated score was calculated to assess if this variant is too frequent to cause the disease. Based on the score and internal cut-off values, a variant classified as benign is not then subjected to further curation. The score for this variant resulted in a classification of benign for this disease.

Illumina Laboratory Services, Illumina
Classification: Benign for Lethal Kniest-like syndrome. Last evaluated: 2018-01-13. Review status: criteria provided, single submitter. Criteria: ICSL Variant Classification Criteria 13 December 2019. Collection method: clinical testing. Allele origin: germline.
Comment: the same text as in the submission from Illumina Laboratory Services, Illumina above.

Breakthrough Genomics
Classification: Benign. Review status: criteria provided, single submitter. Criteria: ACMG Guidelines, 2015. Collection method: not provided. Allele origin: germline. Inheritance: Autosomal recessive inheritance. Affected: yes.

NM_005529.7(HSPG2):c.444G>C (p.Leu148=)

Gene: HSPG2 (heparan sulfate proteoglycan 2; minus strand). Cytogenetic location: 1p36.12.
Variant type: single nucleotide variant.
Coding change: c.444G>C on transcript NM_005529.7 (MANE Select); coding-DNA position 444, G replaced by C.
Protein change: p.Leu148=; no amino-acid change (leucine 148 retained).
Molecular consequence: synonymous variant.
Genome position (GRCh38, 1-based): chr1:21,890,111, C>G on the plus strand (G>C on the coding strand, the complement: HSPG2 is on the minus strand). VCF-style: chr1-21890111-C-G. GRCh37 (hg19) VCF-style: chr1-22216604-C-G.
Other names: c.444G>C, p.Leu148= (NM_001291860.2).
Identifiers: ClinVar variation 295912 (VCV000295912.19), dbSNP rs2254357, ClinGen allele CA673876.